The following is an entry in ClinVar:

ClinVar aggregate classification (germline): Likely benign (0 of 4 stars; one submission).

Conditions:
FAT3-related disorder. Also called: FAT3-related condition.

Allele frequency attached by ClinVar (database versions not stated): gnomAD 0.00312; TOPMed 0.00325; ESP Exome Variant Server 0.00329; ExAC 0.00569; 1000 Genomes Project 0.00659; 1000 Genomes Project 30x 0.00703.
gnomAD v4.1: 6,105 of 1,613,676 alleles (0.38%); highest among the groups gnomAD compares: East Asian, 2.3%; 29 homozygotes.

Submission:

PreventionGenetics, part of Exact Sciences
Classification: Likely benign for FAT3-related condition. Last evaluated: 2019-02-27. Review status: no assertion criteria provided. Collection method: clinical testing. Allele origin: germline.
Comment: This variant is classified as likely benign based on ACMG/AMP sequence variant interpretation guidelines (Richards et al. 2015 PMID: 25741868, with internal and published modifications).

NM_001367949.2(FAT3):c.3438G>A (p.Pro1146=)

Gene: FAT3 (FAT atypical cadherin 3; plus strand). Cytogenetic location: 11q14.3.
Variant type: single nucleotide variant.
Coding change: c.3438G>A on transcript NM_001367949.2 (MANE Select); coding-DNA position 3438, G replaced by A.
Protein change: p.Pro1146=; no amino-acid change (proline 1146 retained).
Molecular consequence: synonymous variant.
Genome position (GRCh38, 1-based): chr11:92,524,779, G>A. VCF-style: chr11-92524779-G-A. GRCh37 (hg19) VCF-style: chr11-92257945-G-A.
Other names: c.3438G>A, p.Pro1146= (NM_001008781.3, NM_001378141.1).
Identifiers: ClinVar variation 3038325 (VCV003038325.2), dbSNP rs117219140, ClinGen allele CA6226670.